The following is an entry in ClinVar:

ClinVar aggregate classification (germline): Uncertain significance (1 of 4 stars; one submission).

Submission:

GeneDx
Classification: Uncertain significance. Last evaluated: 2025-03-24. Review status: criteria provided, single submitter. Criteria: GeneDx Variant Classification Process June 2021. Collection method: clinical testing. Allele origin: germline. Affected: yes.
Comment: Not observed at significant frequency in large population cohorts (gnomAD); In silico analysis supports that this missense variant has a deleterious effect on protein structure/function; Has not been previously published as pathogenic or benign to our knowledge

NM_006087.4(TUBB4A):c.1097C>T (p.Thr366Ile)

Gene: TUBB4A (tubulin beta 4A class IVa; minus strand). Cytogenetic location: 19p13.3.
Variant type: single nucleotide variant.
Coding change: c.1097C>T on transcript NM_006087.4 (MANE Select); coding-DNA position 1097, C replaced by T.
Protein change: p.Thr366Ile; replaces threonine 366 with isoleucine.
Molecular consequence: missense variant.
Genome position (GRCh38, 1-based): chr19:6,495,402, G>A on the plus strand (C>T on the coding strand, the complement: TUBB4A is on the minus strand). VCF-style: chr19-6495402-G-A. GRCh37 (hg19) VCF-style: chr19-6495413-G-A.
Other names: c.1250C>T, p.Thr417Ile (NM_001289123.2); c.1232C>T, p.Thr411Ile (NM_001289127.2); c.1097C>T, p.Thr366Ile (NM_001289129.2); c.881C>T, p.Thr294Ile (NM_001289130.2, NM_001289131.2); short protein forms T411I, T294I, T366I, T417I.
Identifiers: ClinVar variation 4088132 (VCV004088132.1).